The following is an entry in ClinVar:

NM_015559.3(SETBP1):c.4337G>T (p.Gly1446Val)

Gene: SETBP1 (SET binding protein 1; plus strand). Cytogenetic location: 18q12.3.
Variant type: single nucleotide variant.
Coding change: c.4337G>T on transcript NM_015559.3 (MANE Select); coding-DNA position 4337, G replaced by T.
Protein change: p.Gly1446Val; replaces glycine 1446 with valine.
Molecular consequence: missense variant.
Genome position (GRCh38, 1-based): chr18:45,063,244, G>T. VCF-style: chr18-45063244-G-T. GRCh37 (hg19) VCF-style: chr18-42643209-G-T.
Other names: c.4337G>T, p.Gly1446Val (NM_001379141.1, NM_001379142.1); short protein forms G1446V.
Identifiers: ClinVar variation 1487725 (VCV001487725.6), dbSNP rs1336263465, ClinGen allele CA402483181.

ClinVar aggregate classification (germline): Uncertain significance (1 of 4 stars; one submission).

Submission:

Labcorp Genetics (formerly Invitae), Labcorp
Classification: Uncertain significance. Last evaluated: 2024-04-01. Review status: criteria provided, single submitter. Criteria: Invitae Variant Classification Sherloc (09022015). Collection method: clinical testing. Allele origin: germline.
Comment: This sequence change replaces glycine, which is neutral and non-polar, with valine, which is neutral and non-polar, at codon 1446 of the SETBP1 protein (p.Gly1446Val). This variant is not present in population databases (gnomAD no frequency). This variant has not been reported in the literature in individuals affected with SETBP1-related conditions. ClinVar contains an entry for this variant (Variation ID: 1487725). Advanced modeling of protein sequence and biophysical properties (such as structural, functional, and spatial information, amino acid conservation, physicochemical variation, residue mobility, and thermodynamic stability) performed at Invitae indicates that this missense variant is expected to disrupt SETBP1 protein function with a positive predictive value of 80%. In summary, the available evidence is currently insufficient to determine the role of this variant in disease. Therefore, it has been classified as a Variant of Uncertain Significance.